The following is an entry in ClinVar:

NM_001723.7(DST):c.3502G>A (p.Ala1168Thr)

Gene: DST (dystonin; minus strand). Cytogenetic location: 6p12.1.
Variant type: single nucleotide variant.
Coding change: c.3502G>A on transcript NM_001723.7 (MANE Plus Clinical); coding-DNA position 3502, G replaced by A.
Protein change: p.Ala1168Thr; replaces alanine 1168 with threonine.
Molecular consequence: missense variant. On other transcripts: intron variant (10).
Genome position (GRCh38, 1-based): chr6:56,620,532, C>T on the plus strand (G>A on the coding strand, the complement: DST is on the minus strand). VCF-style: chr6-56620532-C-T. GRCh37 (hg19) VCF-style: chr6-56485330-C-T.
Other names: c.4830+3998G>A (NM_001144769.5); c.4929+3998G>A (NM_001374722.1, NM_001374736.1); c.4956+3998G>A (NM_001374734.1); c.4416+3998G>A (NM_001144770.2); c.4296+3998G>A (NM_001374730.1, NM_001386100.1, NM_183380.4 and 1 more transcripts); c.3318+3998G>A (NM_015548.5); short protein forms A1168T.
Identifiers: ClinVar variation 2200882 (VCV002200882.4), dbSNP rs2098680628, ClinGen allele CA364571765.

ClinVar aggregate classification (germline): Uncertain significance (1 of 4 stars; one submission).

Conditions:
Hereditary sensory and autonomic neuropathy type 6. Also called: HSAN VI; Neuropathy, hereditary sensory and autonomic, type VI. Identifiers: Orphanet 314381, MedGen C3539003, MONDO:0013839, OMIM 614653.
Epidermolysis bullosa simplex 3, localized or generalized intermediate, with BP230 deficiency (EBS3). Also called: Epidermolysis bullosa simplex, autosomal recessive 2; Epidermolysis bullosa simplex due to BP230 deficiency. Identifiers: Orphanet 412181, MedGen C3809470, MONDO:0014180, OMIM 615425.

Allele frequency attached by ClinVar (database versions not stated): gnomAD exomes below 0.00001; TOPMed below 0.00001.
gnomAD v4.1: 2 of 1,614,000 alleles (0.00012%); highest among the groups gnomAD compares: Non-Finnish European, 0.000085%; no homozygotes.

Submission:

Labcorp Genetics (formerly Invitae), Labcorp
Classification: Uncertain significance for Epidermolysis bullosa simplex 3, localized or generalized intermediate, with BP230 deficiency; Hereditary sensory and autonomic neuropathy type 6. Last evaluated: 2025-09-08. Review status: criteria provided, single submitter. Criteria: Invitae Variant Classification Sherloc (09022015). Collection method: clinical testing. Allele origin: germline.
Comment: This sequence change replaces alanine, which is neutral and non-polar, with threonine, which is neutral and polar, at codon 1168 of the DST protein (p.Ala1168Thr). This variant is not present in population databases (gnomAD no frequency). This variant has not been reported in the literature in individuals affected with DST-related conditions. ClinVar contains an entry for this variant (Variation ID: 2200882). An algorithm developed to predict the effect of missense changes on protein structure and function (PolyPhen-2) suggests that this variant is likely to be disruptive. In summary, the available evidence is currently insufficient to determine the role of this variant in disease. Therefore, it has been classified as a Variant of Uncertain Significance.